The following is an entry in ClinVar:

NM_002439.5(MSH3):c.2335C>G (p.Arg779Gly)

Gene: MSH3 (mutS homolog 3; plus strand). Cytogenetic location: 5q14.1.
Variant type: single nucleotide variant.
Coding change: c.2335C>G on transcript NM_002439.5 (MANE Select); coding-DNA position 2335, C replaced by G.
Protein change: p.Arg779Gly; replaces arginine 779 with glycine.
Molecular consequence: missense variant.
Genome position (GRCh38, 1-based): chr5:80,778,736, C>G. VCF-style: chr5-80778736-C-G. GRCh37 (hg19) VCF-style: chr5-80074555-C-G.
Other names: short protein forms R779G.
Identifiers: ClinVar variation 649499 (VCV000649499.13), dbSNP rs368162490, ClinGen allele CA3328226.

ClinVar aggregate classification (germline): Uncertain significance. Review status: criteria provided, multiple submitters, no conflicts (2 of 4 stars). 3 submissions from 3 submitters: Uncertain significance (3). Last evaluated 2025-09-02.

Conditions:
Endometrial carcinoma. Also called: Endometrial carcinoma, somatic. Identifiers: MedGen C0476089, MONDO:0002447, OMIM 608089, HP:0012114.
Hereditary cancer-predisposing syndrome. Also called: Neoplastic Syndromes, Hereditary; Tumor predisposition; Hereditary Cancer Syndrome; Hereditary neoplastic syndrome. Identifiers: Orphanet 140162, MedGen C0027672, MeSH D009386, MONDO:0015356.

Allele frequency attached by ClinVar (database versions not stated): gnomAD 0.00001; TOPMed 0.00001.
gnomAD v4.1: 4 of 1,608,488 alleles (0.00025%); highest among the groups gnomAD compares: African/African-American, 0.0053%; no homozygotes.

Submissions (3):

Labcorp Genetics (formerly Invitae), Labcorp
Classification: Uncertain significance. Last evaluated: 2025-09-02. Review status: criteria provided, single submitter. Criteria: Invitae Variant Classification Sherloc (09022015). Collection method: clinical testing. Allele origin: germline.
Comment: This sequence change replaces arginine, which is basic and polar, with glycine, which is neutral and non-polar, at codon 779 of the MSH3 protein (p.Arg779Gly). This variant is present in population databases (rs368162490, gnomAD 0.01%). This variant has not been reported in the literature in individuals affected with MSH3-related conditions. ClinVar contains an entry for this variant (Variation ID: 649499). An algorithm developed to predict the effect of missense changes on protein structure and function (PolyPhen-2) suggests that this variant is likely to be disruptive. In summary, the available evidence is currently insufficient to determine the role of this variant in disease. Therefore, it has been classified as a Variant of Uncertain Significance.

Ambry Genetics
Classification: Uncertain significance for Hereditary cancer-predisposing syndrome. Last evaluated: 2024-11-11. Review status: criteria provided, single submitter. Criteria: Ambry Variant Classification Scheme 2023. Collection method: clinical testing. Allele origin: germline.
Comment: The p.R779G variant (also known as c.2335C>G), located in coding exon 17 of the MSH3 gene, results from a C to G substitution at nucleotide position 2335. The arginine at codon 779 is replaced by glycine, an amino acid with dissimilar properties. This amino acid position is highly conserved in available vertebrate species. In addition, this alteration is predicted to be deleterious by in silico analysis. Based on the available evidence, the clinical significance of this variant remains unclear.

Baylor Genetics
Classification: Uncertain significance for Endometrial carcinoma. Last evaluated: 2024-02-02. Review status: criteria provided, single submitter. Criteria: ACMG Guidelines, 2015. Collection method: clinical testing. Allele origin: unknown.